The following is an entry in ClinVar:

NM_000088.4(COL1A1):c.386dup (p.Gly130fs)

Gene: COL1A1 (collagen type I alpha 1 chain; minus strand). Cytogenetic location: 17q21.33.
Variant type: Duplication.
Coding change: c.386dup on transcript NM_000088.4 (MANE Select); coding-DNA position 386, one base duplicated (C; older notation c.386dupC).
Protein change: p.Gly130fs; shifts the reading frame from glycine 130.
Molecular consequence: frameshift variant.
Genome position (GRCh38, 1-based): chr17:50,199,311, G duplicated on the plus strand (C on the coding strand, the reverse complement: COL1A1 is on the minus strand); the first of 6 consecutive G bases (chr17:50,199,311-50,199,316); duplicating any one gives the same sequence. VCF-style (leftmost placement, unchanged base first): chr17-50199310-A-AG. GRCh37 (hg19) VCF-style: chr17-48276671-A-AG.
Other names: c.386dup (NM_000088.3); c.386dupC (NM_000088.3); short protein forms G130fs.
Identifiers: ClinVar variation 438674 (VCV000438674.38), dbSNP rs72667014, ClinGen allele CA645509528.

ClinVar aggregate classification (germline): Pathogenic. Review status: criteria provided, multiple submitters, no conflicts (2 of 4 stars). 4 submissions from 4 submitters: Pathogenic (3). 1 of the submissions does not count toward it. Last evaluated 2025-06-03.

Conditions:
Osteogenesis imperfecta type I (OI1). Also called: Osteogenesis imperfecta type 1; Lobstein's Disease; OI, TYPE I; OSTEOGENESIS IMPERFECTA TARDA; OSTEOGENESIS IMPERFECTA WITH BLUE SCLERAE; Lobstein disease. Identifiers: Orphanet 216796, Orphanet 666, MedGen C0023931, MONDO:0008146, OMIM 166200. Disease mechanism: loss of function.

Submissions (4):

Labcorp Genetics (formerly Invitae), Labcorp
Classification: Pathogenic for Osteogenesis imperfecta type I. Last evaluated: 2025-06-03. Review status: criteria provided, single submitter. Criteria: Invitae Variant Classification Sherloc (09022015). Collection method: clinical testing. Allele origin: germline.
Comment: This sequence change creates a premature translational stop signal (p.Gly130Trpfs*39) in the COL1A1 gene. It is expected to result in an absent or disrupted protein product. Loss-of-function variants in COL1A1 are known to be pathogenic (PMID: 7942841, 9295084, 9443882). This variant is not present in population databases (gnomAD no frequency). This premature translational stop signal has been observed in individual(s) with osteogenesis imperfecta (PMID: 16786509). This variant is also known as c.386_387insC. ClinVar contains an entry for this variant (Variation ID: 438674). For these reasons, this variant has been classified as Pathogenic.

GeneDx
Classification: Pathogenic. Last evaluated: 2024-10-09. Review status: criteria provided, single submitter. Criteria: GeneDx Variant Classification Process June 2021. Collection method: clinical testing. Allele origin: germline. Affected: yes.
Comment: Frameshift variant predicted to result in protein truncation or nonsense mediated decay in a gene for which loss of function is a known mechanism of disease; Not observed at significant frequency in large population cohorts (gnomAD); This variant is associated with the following publications: (PMID: 37079061, 26627451, 33939306, 37810882, 16786509)

CeGaT Center for Human Genetics Tuebingen
Classification: Pathogenic. Last evaluated: 2023-01-01. Review status: criteria provided, single submitter. Criteria: CeGaT Center For Human Genetics Tuebingen Variant Classification Criteria Version 2. Collection method: clinical testing. Allele origin: germline. Affected: yes. Observed: 1 variant allele.
Comment: COL1A1: PVS1, PM2

Bioscientia Institut fuer Medizinische Diagnostik GmbH, Sonic Healthcare
Classification: Pathogenic for Osteogenesis imperfecta type I. Last evaluated: 2017-04-20. Review status: no assertion criteria provided. Collection method: clinical testing. Allele origin: germline. Affected: yes. Not counted in ClinVar's aggregate classification.

Literature cited by the submitters: PubMed 7942841 (cited by Labcorp Genetics (formerly Invitae), Labcorp); PubMed 9295084 (cited by Labcorp Genetics (formerly Invitae), Labcorp); PubMed 9443882 (cited by Labcorp Genetics (formerly Invitae), Labcorp); PubMed 16786509 (cited by Labcorp Genetics (formerly Invitae), Labcorp).